The following is an entry in ClinVar:

ClinVar aggregate classification (germline): Benign/Likely benign. Review status: criteria provided, multiple submitters, no conflicts (2 of 4 stars). 3 submissions from 3 submitters: Benign (1); Likely benign (2). Last evaluated 2025-07-08.

Conditions:
Inborn genetic diseases. Identifiers: MedGen C0950123, MeSH D030342.

Allele frequency attached by ClinVar (database versions not stated): gnomAD 0.00007; ESP Exome Variant Server 0.00008; ExAC 0.00010.

Submissions (3):

Labcorp Genetics (formerly Invitae), Labcorp
Classification: Benign. Last evaluated: 2025-07-08. Review status: criteria provided, single submitter. Criteria: Invitae Variant Classification Sherloc (09022015). Collection method: clinical testing. Allele origin: germline.

Ambry Genetics
Classification: Likely benign for Inborn genetic diseases. Last evaluated: 2025-04-18. Review status: criteria provided, single submitter. Criteria: Ambry Variant Classification Scheme 2023. Collection method: clinical testing. Allele origin: germline.

CeGaT Center for Human Genetics Tuebingen
Classification: Likely benign. Last evaluated: 2024-07-01. Review status: criteria provided, single submitter. Criteria: CeGaT Center For Human Genetics Tuebingen Variant Classification Criteria Version 2. Collection method: clinical testing. Allele origin: germline. Affected: yes. Observed: 2 variant alleles.
Comment: KMT2B: BP4, BP7

NM_014727.3(KMT2B):c.6027C>T (p.Ala2009=)

Gene: KMT2B (lysine methyltransferase 2B; plus strand). Cytogenetic location: 19q13.12.
Variant type: single nucleotide variant.
Coding change: c.6027C>T on transcript NM_014727.3 (MANE Select); coding-DNA position 6027, C replaced by T.
Protein change: p.Ala2009=; no amino-acid change (alanine 2009 retained).
Molecular consequence: synonymous variant.
Genome position (GRCh38, 1-based): chr19:35,732,576, C>T. VCF-style: chr19-35732576-C-T. GRCh37 (hg19) VCF-style: chr19-36223477-C-T.
Other names: c.6027C>T (NM_014727.1).
Identifiers: ClinVar variation 2168090 (VCV002168090.28), dbSNP rs371641922, ClinGen allele CA9385585.